The following is an entry in ClinVar:

NM_033026.6(PCLO):c.5120C>T (p.Ser1707Leu)

Gene: PCLO (piccolo presynaptic cytomatrix protein; minus strand). Cytogenetic location: 7q21.11.
Variant type: single nucleotide variant.
Coding change: c.5120C>T on transcript NM_033026.6 (MANE Select); coding-DNA position 5120, C replaced by T.
Protein change: p.Ser1707Leu; replaces serine 1707 with leucine.
Molecular consequence: missense variant.
Genome position (GRCh38, 1-based): chr7:82,955,833, G>A on the plus strand (C>T on the coding strand, the complement: PCLO is on the minus strand). VCF-style: chr7-82955833-G-A. GRCh37 (hg19) VCF-style: chr7-82585149-G-A.
Other names: c.5120C>T, p.Ser1707Leu (NM_014510.3); short protein forms S1707L.
Identifiers: ClinVar variation 3903243 (VCV003903243.1).
Genomic context (GRCh38, chr7:82,955,833, plus strand): 5'-GGAGTGAAGCTGGAAGCATGCAGACTCGAAGATCCCTCTCCCCTTGACCTATCTTCAGGT[G>A]AGTCTGTCAGGCTTTCCATTTCCAATTCTGGCTCTTCGTCAAAATACAAACTTGTTTTTT-3'
Protein context (NP_149015.2, residues 1697-1717): PELEMESLTD[Ser1707Leu]PEDRSRGEGS

ClinVar aggregate classification (germline): Uncertain significance (1 of 4 stars; one submission).

Submission:

GeneDx
Classification: Uncertain significance. Last evaluated: 2023-03-01. Review status: criteria provided, single submitter. Criteria: GeneDx Variant Classification Process June 2021. Collection method: clinical testing. Allele origin: germline. Affected: yes.
Comment: Not observed at significant frequency in large population cohorts (gnomAD); In silico analysis supports that this missense variant has a deleterious effect on protein structure/function; Has not been previously published as pathogenic or benign to our knowledge; Variants in candidate genes are classified as variants of uncertain significance in accordance with ACMG guidelines (Richards et al., 2015)